The following is an entry in ClinVar:

NM_181872.6(DMRT2):c.207C>T (p.Gly69=)

Gene: DMRT2 (doublesex and mab-3 related transcription factor 2; plus strand). Cytogenetic location: 9p24.3.
Variant type: single nucleotide variant.
Coding change: c.207C>T on transcript NM_181872.6 (MANE Select); coding-DNA position 207, C replaced by T.
Protein change: p.Gly69=; no amino-acid change (glycine 69 retained).
Molecular consequence: synonymous variant. On other transcripts: 5 prime UTR variant (1), non-coding transcript variant (1).
Genome position (GRCh38, 1-based): chr9:1,051,820, C>T. VCF-style: chr9-1051820-C-T. GRCh37 (hg19) VCF-style: chr9-1051820-C-T.
Other names: c.207C>T, p.Gly69= (NM_001130865.3, NM_001370531.1, NM_001370533.1 and 4 more transcripts); c.-444C>T (NM_001370532.1).
Identifiers: ClinVar variation 2872223 (VCV002872223.3), dbSNP rs1217998187, ClinGen allele CA463851846.

ClinVar aggregate classification (germline): Uncertain significance (1 of 4 stars; one submission).

Allele frequency attached by ClinVar (database versions not stated): gnomAD 0.00001.
gnomAD v4.1: 8 of 1,463,598 alleles (0.00055%); highest among the groups gnomAD compares: African/African-American, 0.0015%; no homozygotes.

Submission:

Labcorp Genetics (formerly Invitae), Labcorp
Classification: Uncertain significance. Last evaluated: 2023-11-24. Review status: criteria provided, single submitter. Criteria: Invitae Variant Classification Sherloc (09022015). Collection method: clinical testing. Allele origin: germline.
Comment: This sequence change affects codon 69 of the DMRT2 mRNA. It is a 'silent' change, meaning that it does not change the encoded amino acid sequence of the DMRT2 protein. The frequency data for this variant in the population databases is considered unreliable, as metrics indicate poor data quality at this position in the gnomAD database. This variant has not been reported in the literature in individuals affected with DMRT2-related conditions. Algorithms developed to predict the effect of sequence changes on RNA splicing suggest that this variant may create or strengthen a splice site. In summary, the available evidence is currently insufficient to determine the role of this variant in disease. Therefore, it has been classified as a Variant of Uncertain Significance.